The following is an entry in ClinVar:

ClinVar aggregate classification (germline): Uncertain significance (1 of 4 stars; one submission).

Conditions:
Multiple gastrointestinal atresias. Also called: FAMILIAL INTESTINAL POLYATRESIA SYNDROME; Multiple intestinal atresia. Identifiers: Orphanet 2300, MedGen C0220744, MONDO:0009465.

Allele frequency attached by ClinVar (database versions not stated): TOPMed below 0.00001.
gnomAD v4.1: 6 of 1,613,714 alleles (0.00037%); highest among the groups gnomAD compares: African/African-American, 0.0027%; no homozygotes.

Submission:

Labcorp Genetics (formerly Invitae), Labcorp
Classification: Uncertain significance for Multiple gastrointestinal atresias. Last evaluated: 2025-01-21. Review status: criteria provided, single submitter. Criteria: Invitae Variant Classification Sherloc (09022015). Collection method: clinical testing. Allele origin: germline.
Comment: This sequence change replaces methionine, which is neutral and non-polar, with leucine, which is neutral and non-polar, at codon 552 of the TTC7A protein (p.Met552Leu). The frequency data for this variant in the population databases is considered unreliable, as metrics indicate poor data quality at this position in the gnomAD database. This variant has not been reported in the literature in individuals affected with TTC7A-related conditions. ClinVar contains an entry for this variant (Variation ID: 1914999). Invitae Evidence Modeling of protein sequence and biophysical properties (such as structural, functional, and spatial information, amino acid conservation, physicochemical variation, residue mobility, and thermodynamic stability) indicates that this missense variant is not expected to disrupt TTC7A protein function with a negative predictive value of 80%. In summary, the available evidence is currently insufficient to determine the role of this variant in disease. Therefore, it has been classified as a Variant of Uncertain Significance.

NM_020458.4(TTC7A):c.1654A>T (p.Met552Leu)

Gene: TTC7A (tetratricopeptide repeat domain 7A; plus strand). Cytogenetic location: 2p21.
Variant type: single nucleotide variant.
Coding change: c.1654A>T on transcript NM_020458.4 (MANE Select); coding-DNA position 1654, A replaced by T.
Protein change: p.Met552Leu; replaces methionine 552 with leucine.
Molecular consequence: missense variant.
Genome position (GRCh38, 1-based): chr2:47,029,236, A>T. VCF-style: chr2-47029236-A-T. GRCh37 (hg19) VCF-style: chr2-47256375-A-T.
Other names: c.1654A>T, p.Met552Leu (NM_001288951.2); c.1552A>T, p.Met518Leu (NM_001288953.2); c.592A>T, p.Met198Leu (NM_001288955.2); short protein forms M198L, M518L, M552L.
Identifiers: ClinVar variation 1914999 (VCV001914999.3), dbSNP rs777379249, ClinGen allele CA1647820.